The following is an entry in ClinVar:

NM_006214.4(PHYH):c.606C>A (p.Asn202Lys)

Gene: PHYH (phytanoyl-CoA 2-hydroxylase; minus strand). Cytogenetic location: 10p13.
Variant type: single nucleotide variant.
Coding change: c.606C>A on transcript NM_006214.4 (MANE Select); coding-DNA position 606, C replaced by A.
Protein change: p.Asn202Lys; replaces asparagine 202 with lysine.
Molecular consequence: missense variant. On other transcripts: intron variant (1).
Genome position (GRCh38, 1-based): chr10:13,288,432, G>T on the plus strand (C>A on the coding strand, the complement: PHYH is on the minus strand). VCF-style: chr10-13288432-G-T. GRCh37 (hg19) VCF-style: chr10-13330432-G-T.
Other names: c.306C>A, p.Asn102Lys (NM_001037537.2, NM_001323080.2); c.612C>A, p.Asn204Lys (NM_001323082.2); c.312C>A, p.Asn104Lys (NM_001323084.2); c.415-4593C>A (NM_001323083.2); short protein forms N202K, N204K, N104K, N102K.
Identifiers: ClinVar variation 299250 (VCV000299250.19), dbSNP rs201979258, ClinGen allele CA5412302.

ClinVar aggregate classification (germline): Conflicting classifications of pathogenicity. Review status: criteria provided, conflicting classifications (1 of 4 stars). 5 submissions from 5 submitters: Uncertain significance (3); Likely benign (1). 1 of the submissions does not count toward it. Last evaluated 2025-12-15.

Conditions:
Inborn genetic diseases. Identifiers: MedGen C0950123, MeSH D030342.
Retinal dystrophy. Also called: Inherited retinal dystrophy. Identifiers: Orphanet 71862, MedGen C0854723, MeSH D058499, MONDO:0019118, HP:0000556.
Refsum disease, classic. Also called: HEREDOPATHIA ATACTICA POLYNEURITIFORMIS; HMSN IV; PHYTANIC ACID OXIDASE DEFICIENCY; PHYH-Related Refsum Disease. Identifiers: Orphanet 773, MedGen C5780941, MONDO:1060256, OMIM 266500. Disease mechanism: loss of function.

Allele frequency attached by ClinVar (database versions not stated): gnomAD 0.00015 and 0.00014; ExAC 0.00021; TOPMed 0.00020; gnomAD exomes 0.00028 and 0.00015.
gnomAD v4.1: 267 of 1,614,218 alleles (0.017%); highest among the groups gnomAD compares: Middle Eastern, 0.05%; no homozygotes.

Submissions (5):

Labcorp Genetics (formerly Invitae), Labcorp
Classification: Likely benign. Last evaluated: 2025-12-15. Review status: criteria provided, single submitter. Criteria: Invitae Variant Classification Sherloc (09022015). Collection method: clinical testing. Allele origin: germline.

Ambry Genetics
Classification: Uncertain significance for Inborn genetic diseases. Last evaluated: 2021-08-10. Review status: criteria provided, single submitter. Criteria: Ambry Variant Classification Scheme 2023. Collection method: clinical testing. Allele origin: germline.

Illumina Laboratory Services, Illumina
Classification: Uncertain significance for Refsum disease, classic. Last evaluated: 2018-01-12. Review status: criteria provided, single submitter. Criteria: ICSL Variant Classification Criteria 13 December 2019. Collection method: clinical testing. Allele origin: germline.

GeneDx
Classification: Uncertain significance. Last evaluated: 2016-07-13. Review status: criteria provided, single submitter. Criteria: GeneDx Variant Classification (06012015). Collection method: clinical testing. Allele origin: germline. Affected: yes.
Comment: The N202K variant in the PHYH gene has not been reported previously as a pathogenic variant, nor as a benign variant, to our knowledge. The N202K variant was not observed in approximately 6,500 individuals of European and African American ancestry in the NHLBI Exome Sequencing Project, indicating it is not a common benign variant in these populations. The N202K variant is a semi-conservative amino acid substitution, which may impact secondary protein structure as these residues differ in some properties. This substitution occurs at a position that is not conserved. In silico analysis is inconsistent in its predictions as to whether or not the variant is damaging to the protein structure/function. We interpret N202K as a variant of uncertain significance.

Institute of Human Genetics, Univ. Regensburg, Univ. Regensburg
Classification: Uncertain significance for Retinal dystrophy. Last evaluated: 2023-01-01. Review status: no assertion criteria provided. Criteria: ACMG Guidelines, 2015. Collection method: clinical testing. Allele origin: germline. Affected: yes. Not counted in ClinVar's aggregate classification.